The following is an entry in ClinVar:

ClinVar aggregate classification (germline): Pathogenic/Likely pathogenic. Review status: criteria provided, multiple submitters, no conflicts (2 of 4 stars). 12 submissions from 12 submitters: Pathogenic (9); Likely pathogenic (2). 1 of the submissions does not count toward it. Last evaluated 2026-02-13.

Conditions:
Cobalamin C disease. Also called: Methylmalonic aciduria and homocystinuria, Vitamin B12-responsive; Vitamin B12 metabolic defect with combined deficiency of methylmalonyl-CoA mutase and homocysteine:methyltetrahydrofolate methyltransferase; methylmalonic aciduria and homocystinuria type cblC; Methylmalonic aciduria with homocystinuria cblC type; Cobalamin-C methylmalonic acidemia and homocystinuria; Methylmalonic acidemia and homocystinuria cblC type. Identifiers: Orphanet 26, Orphanet 79282, MedGen C1848561, MONDO:0010184, OMIM 277400.

Allele frequency attached by ClinVar (database versions not stated): TOPMed 0.00002.

Submissions (12):

OLLIN Analises Genomicas, OLLIN
Classification: Likely pathogenic for Cobalamin C disease. Last evaluated: 2026-02-13. Review status: criteria provided, single submitter. Criteria: ACMG Guidelines 2015 PMID 25741868. Collection method: clinical testing. Allele origin: germline. Observed: 1 variant allele.
Comment: PS4, PM1, PM2_P, PM5, PP3_M

Natera, Inc.
Classification: Pathogenic for Methylmalonic aciduria and homocystinuria cblC type. Last evaluated: 2026-01-23. Review status: criteria provided, single submitter. Criteria: Natera Variant Classification Schema (03/2026). Collection method: clinical testing. Allele origin: germline.
Comment: The c.565C>A variant in MMACHC is a missense variant predicted to cause substitution of arginine to serine at amino acid 189. This variant is rare in the general population with a frequency below the threshold expected for the associated phenotype(s). This variant has been observed in one or more individuals affected with the associated recessive disease, as either homozygous or compound heterozygous with a second variant (PMID: 18164228). Given the available evidence, this variant is classified as Pathogenic.

GeneDx
Classification: Pathogenic. Last evaluated: 2025-11-07. Review status: criteria provided, single submitter. Criteria: GeneDx Variant Classification Process June 2021. Collection method: clinical testing. Allele origin: germline. Affected: yes.
Comment: In silico analysis supports that this missense variant has a deleterious effect on protein structure/function; Not observed at significant frequency in large population cohorts (gnomAD); This variant is associated with the following publications: (PMID: 31589614, 19760748, 29294253, 16311595, 20696242, 27252276, 27289364, 18245139, 18164228, 24599607, 37643953, 37915912, 36105582, 35254044, 31203424, 35109910, 25398587)

Women's Health and Genetics/Laboratory Corporation of America, LabCorp
Classification: Pathogenic for Cobalamin C disease. Last evaluated: 2025-11-06. Review status: criteria provided, single submitter. Criteria: LabCorp Variant Classification Summary - May 2015. Collection method: clinical testing. Allele origin: germline.
Comment: Variant summary: MMACHC c.565C>A (p.Arg189Ser) results in a non-conservative amino acid change in the encoded protein sequence. Algorithms developed to predict the effect of missense changes on protein structure and function all suggest that this variant is likely to be disruptive. The variant allele was found at a frequency of 8e-06 in 249562 control chromosomes. c.565C>A has been observed in individual(s) affected with Methylmalonic Acidemia With Homocystinuria. These data indicate that the variant is likely to be associated with disease. A different variant affecting the same codon has been classified as pathogenic by our lab (c.566G>A, p.Arg189His), supporting the critical relevance of codon 189 to MMACHC protein function. The following publications have been ascertained in the context of this evaluation (PMID: 18164228, 19760748). ClinVar contains an entry for this variant (Variation ID: 558690). Based on the evidence outlined above, the variant was classified as pathogenic.

Dasa
Classification: Pathogenic. Last evaluated: 2025-10-09. Review status: criteria provided, single submitter. Criteria: DASA Assertion Criteria. Collection method: clinical testing. Allele origin: germline.
Comment: NM_015506.3(MMACHC):c.565C>A (p.Arg189Ser) is a missense variant that results in the substitution of arginine with serine. This variant has been recurrently observed in individuals with related phenotype (PMID: 29294253; PMID: 24599607; PMID: 18164228). Segregation evidence has been reported in affected families. Multiple computational predictions support a deleterious effect on the gene or gene product. The variant is present at low frequency in population datasets. Based on the available data, this variant is classified as pathogenic.

Mayo Clinic Laboratories, Mayo Clinic
Classification: Pathogenic. Last evaluated: 2025-03-31. Review status: criteria provided, single submitter. Criteria: ACMG Guidelines, 2015. Collection method: clinical testing. Allele origin: germline. Observed: 1 variant allele.
Comment: PP3_moderate, PM2_supporting, PM3_very_strong

Labcorp Genetics (formerly Invitae), Labcorp
Classification: Pathogenic for Cobalamin C disease. Last evaluated: 2025-03-05. Review status: criteria provided, single submitter. Criteria: Invitae Variant Classification Sherloc (09022015). Collection method: clinical testing. Allele origin: germline.
Comment: This sequence change replaces arginine, which is basic and polar, with serine, which is neutral and polar, at codon 189 of the MMACHC protein (p.Arg189Ser). This variant is present in population databases (rs200895671, gnomAD 0.006%). This missense change has been observed in individual(s) with methylmalonic aciduria and homocystinuria, cblC type (PMID: 16311595, 18164228, 18245139, 19760748, 24599607, 29294253). ClinVar contains an entry for this variant (Variation ID: 558690). Invitae Evidence Modeling of protein sequence and biophysical properties (such as structural, functional, and spatial information, amino acid conservation, physicochemical variation, residue mobility, and thermodynamic stability) has been performed for this missense variant. However, the output from this modeling did not meet the statistical confidence thresholds required to predict the impact of this variant on MMACHC protein function. For these reasons, this variant has been classified as Pathogenic.

Genome-Nilou Lab
Classification: Likely pathogenic for Cobalamin C disease. Last evaluated: 2023-04-11. Review status: criteria provided, single submitter. Criteria: ACMG Guidelines, 2015. Collection method: clinical testing. Allele origin: germline. Affected: no.

Laboratorio de Genetica e Diagnostico Molecular, Hospital Israelita Albert Einstein
Classification: Pathogenic for Cobalamin C disease. Last evaluated: 2022-11-11. Review status: criteria provided, single submitter. Criteria: ACMG Guidelines, 2015. Collection method: clinical testing. Allele origin: germline. Affected: yes. Observed: 1 variant allele.
Comment: ACMG classification criteria: PS3 supporting, PM2 moderated, PM3 very strong, PP3 supporting

Fulgent Genetics
Classification: Pathogenic for Cobalamin C disease. Last evaluated: 2021-07-16. Review status: criteria provided, single submitter. Criteria: ACMG Guidelines, 2015. Collection method: clinical testing. Allele origin: unknown.

Mendelics
Classification: Pathogenic for Cobalamin C disease. Last evaluated: 2019-05-28. Review status: criteria provided, single submitter. Criteria: Mendelics Assertion Criteria 2017. Collection method: clinical testing. Allele origin: unknown.

Counsyl
Classification: Likely pathogenic for Cobalamin C disease. Last evaluated: 2018-06-07. Review status: no assertion criteria provided. Collection method: clinical testing. Allele origin: unknown. Not counted in ClinVar's aggregate classification.

Literature cited by the submitters: PubMed 18164228 (cited by 4 submitters); PubMed 19760748 (cited by 4 submitters); PubMed 29294253 (cited by 4 submitters); PubMed 24599607 (cited by 3 submitters); PubMed 16311595 (cited by 3 submitters); PubMed 27252276 (cited by Mayo Clinic Laboratories, Mayo Clinic and Counsyl); PubMed 31203424 (cited by Mayo Clinic Laboratories, Mayo Clinic); PubMed 31589614 (cited by Mayo Clinic Laboratories, Mayo Clinic); PubMed 18245139 (cited by Labcorp Genetics (formerly Invitae), Labcorp and Counsyl).

NM_015506.3(MMACHC):c.565C>A (p.Arg189Ser)

Gene: MMACHC (metabolism of cobalamin associated C; plus strand). Cytogenetic location: 1p34.1.
Variant type: single nucleotide variant.
Coding change: c.565C>A on transcript NM_015506.3 (MANE Select); coding-DNA position 565, C replaced by A.
Protein change: p.Arg189Ser; replaces arginine 189 with serine.
Molecular consequence: missense variant.
Genome position (GRCh38, 1-based): chr1:45,508,931, C>A. VCF-style: chr1-45508931-C-A. GRCh37 (hg19) VCF-style: chr1-45974603-C-A.
Other names: p.Arg189Ser; c.394C>A, p.Arg132Ser (NM_001330540.2); short protein forms R189S, R132S.
Identifiers: ClinVar variation 558690 (VCV000558690.24), dbSNP rs200895671, ClinGen allele CA827791.
Genomic context (GRCh38, chr1:45,508,931, plus strand): 5'-ATAGAGGTGCCAGATCTGCCACCCAGAAAACCTCATGACTGTGTACCTACAAGAGCTGAC[C>A]GTATCGCCCTACTCGAAGGCTTCAATTTCCACTGGCGTGATTGGACTTACCGGGATGCTG-3'
Protein context (NP_056321.2, residues 179-199): PHDCVPTRAD[Arg189Ser]IALLEGFNFH